The following is an entry in ClinVar:

ClinVar aggregate classification (germline): Conflicting classifications of pathogenicity. Review status: criteria provided, conflicting classifications (1 of 4 stars). 2 submissions from 2 submitters: Uncertain significance (1); Likely benign (1). Last evaluated 2024-10-22.

Conditions:
Pitt-Hopkins syndrome (PTHS). Also called: ENCEPHALOPATHY, SEVERE EPILEPTIC, WITH AUTONOMIC DYSFUNCTION; MENTAL RETARDATION, SYNDROMAL, WITH INTERMITTENT HYPERVENTILATION. Identifiers: Orphanet 2896, MedGen C1970431, MONDO:0012589, OMIM 610954.

Allele frequency attached by ClinVar (database versions not stated): TOPMed below 0.00001; ExAC 0.00001; gnomAD 0.00001; gnomAD exomes 0.00001.
gnomAD v4.1: 13 of 1,613,666 alleles (0.00081%); highest among the groups gnomAD compares: Admixed American, 0.0017%; no homozygotes.

Submissions (2):

Labcorp Genetics (formerly Invitae), Labcorp
Classification: Likely benign for Pitt-Hopkins syndrome. Last evaluated: 2024-10-22. Review status: criteria provided, single submitter. Criteria: Invitae Variant Classification Sherloc (09022015). Collection method: clinical testing. Allele origin: germline.

GeneDx
Classification: Uncertain significance. Last evaluated: 2020-01-16. Review status: criteria provided, single submitter. Criteria: GeneDx Variant Classification Process June 2021. Collection method: clinical testing. Allele origin: germline. Affected: yes.
Comment: In silico analysis, which includes protein predictors and evolutionary conservation, supports a deleterious effect; Has not been previously published as pathogenic or benign to our knowledge

NM_001083962.2(TCF4):c.200C>T (p.Pro67Leu)

Genes: TCF4-AS1 (TCF4 antisense RNA 1; plus strand), TCF4 (transcription factor 4; minus strand). Cytogenetic location: 18q21.2.
Variant type: single nucleotide variant.
Coding change: c.200C>T on transcript NM_001083962.2 (MANE Select); coding-DNA position 200, C replaced by T.
Protein change: p.Pro67Leu; replaces proline 67 with leucine.
Molecular consequence: missense variant.
Genome position (GRCh38, 1-based): chr18:55,464,083, G>A on the plus strand (C>T on the coding strand, the complement: TCF4 is on the minus strand). VCF-style: chr18-55464083-G-A. GRCh37 (hg19) VCF-style: chr18-53131314-G-A.
Other names: c.506C>T, p.Pro169Leu (NM_001243226.3); c.128C>T, p.Pro43Leu (NM_001243227.2, NM_001306207.1, NM_001348217.1 and 15 more transcripts); c.200C>T, p.Pro67Leu (NM_001243228.2, NM_001330604.3, NM_001369567.1 and 8 more transcripts); c.194C>T, p.Pro65Leu (NM_001243230.2); c.74C>T, p.Pro25Leu (NM_001243231.2, NM_001348211.2); short protein forms P169L, P25L, P43L, P65L, P67L.
Identifiers: ClinVar variation 1196885 (VCV001196885.9), dbSNP rs763329139, ClinGen allele CA8970633.